The following is an entry in ClinVar:

NM_032409.3(PINK1):c.267C>T (p.Ala89=)

Gene: PINK1 (PTEN induced kinase 1; plus strand). Cytogenetic location: 1p36.12.
Variant type: single nucleotide variant.
Coding change: c.267C>T on transcript NM_032409.3 (MANE Select); coding-DNA position 267, C replaced by T.
Protein change: p.Ala89=; no amino-acid change (alanine 89 retained).
Molecular consequence: synonymous variant.
Genome position (GRCh38, 1-based): chr1:20,633,815, C>T. VCF-style: chr1-20633815-C-T. GRCh37 (hg19) VCF-style: chr1-20960308-C-T.
Other names: p.Ala89=.
Identifiers: ClinVar variation 707527 (VCV000707527.12), dbSNP rs770933972, ClinGen allele CA660357.

ClinVar aggregate classification (germline): Conflicting classifications of pathogenicity. Review status: criteria provided, conflicting classifications (1 of 4 stars). 3 submissions from 3 submitters: Uncertain significance (1); Likely benign (2). Last evaluated 2025-08-25.

Conditions:
Autosomal recessive early-onset Parkinson disease 6 (PARK6). Also called: PARKINSON DISEASE 6, EARLY-ONSET; PINK1 Type of Young-Onset Parkinson Disease; PARKINSON DISEASE 6, MODIFIER OF; PINK1-Related Parkinson Disease. Identifiers: Orphanet 2828, MedGen C1853833, MONDO:0011613, OMIM 605909.

Allele frequency attached by ClinVar (database versions not stated): gnomAD exomes 0.00005 and 0.00007; gnomAD 0.00006; TOPMed 0.00006; ExAC 0.00016.

Submissions (3):

Labcorp Genetics (formerly Invitae), Labcorp
Classification: Likely benign for Autosomal recessive early-onset Parkinson disease 6. Last evaluated: 2025-08-25. Review status: criteria provided, single submitter. Criteria: Invitae Variant Classification Sherloc (09022015). Collection method: clinical testing. Allele origin: germline.

Mayo Clinic Laboratories, Mayo Clinic
Classification: Likely benign. Last evaluated: 2024-12-24. Review status: criteria provided, single submitter. Criteria: ACMG Guidelines, 2015. Collection method: clinical testing. Allele origin: germline. Observed: 1 variant allele.
Comment: BP4, BP7

Illumina Laboratory Services, Illumina
Classification: Uncertain significance for Autosomal recessive early-onset Parkinson disease 6. Last evaluated: 2018-01-13. Review status: criteria provided, single submitter. Criteria: ICSL Variant Classification Criteria 13 December 2019. Collection method: clinical testing. Allele origin: germline.